The following is an entry in ClinVar:

ClinVar aggregate classification (germline): Uncertain significance (1 of 4 stars; one submission).

Conditions:
Primary ciliary dyskinesia. Also called: Ciliary dyskinesia. Identifiers: Orphanet 244, MedGen C0008780, MONDO:0016575, HP:0012265.

Submission:

Ambry Genetics
Classification: Uncertain significance for Primary ciliary dyskinesia. Last evaluated: 2026-03-19. Review status: criteria provided, single submitter. Criteria: Ambry Variant Classification Scheme 2023. Collection method: clinical testing. Allele origin: germline.
Comment: The c.372A>G variant (also known as p.E124E), located in coding exon 5 of the NME8 gene, results from an A to G substitution at nucleotide position 372. This nucleotide substitution does not change the amino acid at codon 124. This nucleotide position is highly conserved in available vertebrate species. In silico splice site analysis predicts that this alteration may weaken the native splice donor site and will result in the creation or strengthening of a novel splice donor site. The evidence for this gene-disease relationship is limited; therefore, the clinical significance of this variant is unclear.

NM_016616.5(NME8):c.372A>G (p.Glu124=)

Gene: NME8 (NME/NM23 family member 8; plus strand). Cytogenetic location: 7p14.1.
Variant type: single nucleotide variant.
Coding change: c.372A>G on transcript NM_016616.5 (MANE Select); coding-DNA position 372, A replaced by G.
Protein change: p.Glu124=; no amino-acid change (glutamic acid 124 retained).
Molecular consequence: synonymous variant.
Genome position (GRCh38, 1-based): chr7:37,862,129, A>G. VCF-style: chr7-37862129-A-G. GRCh37 (hg19) VCF-style: chr7-37901731-A-G.
Identifiers: ClinVar variation 4861090 (VCV004861090.1).